The following is an entry in ClinVar:

NM_001170629.2(CHD8):c.1512G>C (p.Lys504Asn)

Gene: CHD8 (chromodomain helicase DNA binding protein 8; minus strand). Cytogenetic location: 14q11.2.
Variant type: single nucleotide variant.
Coding change: c.1512G>C on transcript NM_001170629.2 (MANE Select); coding-DNA position 1512, G replaced by C.
Protein change: p.Lys504Asn; replaces lysine 504 with asparagine.
Molecular consequence: missense variant.
Genome position (GRCh38, 1-based): chr14:21,427,958, C>G on the plus strand (G>C on the coding strand, the complement: CHD8 is on the minus strand). VCF-style: chr14-21427958-C-G. GRCh37 (hg19) VCF-style: chr14-21896117-C-G.
Other names: c.675G>C, p.Lys225Asn (NM_020920.4); short protein forms K225N, K504N.
Identifiers: ClinVar variation 3906296 (VCV003906296.1).

ClinVar aggregate classification (germline): Uncertain significance (1 of 4 stars; one submission).

Submission:

GeneDx
Classification: Uncertain significance. Last evaluated: 2024-12-20. Review status: criteria provided, single submitter. Criteria: GeneDx Variant Classification Process June 2021. Collection method: clinical testing. Allele origin: germline. Affected: yes.
Comment: Not observed at significant frequency in large population cohorts (gnomAD); In silico analysis indicates that this missense variant does not alter protein structure/function; Has not been previously published as pathogenic or benign to our knowledge